The following is an entry in ClinVar:

ClinVar aggregate classification (germline): Uncertain significance. Review status: criteria provided, multiple submitters, no conflicts (2 of 4 stars). 2 submissions from 2 submitters: Uncertain significance (2). Last evaluated 2025-08-20.

Allele frequency attached by ClinVar (database versions not stated): TOPMed 0.00002; gnomAD 0.00003; gnomAD exomes 0.00004; ExAC 0.00005; ESP Exome Variant Server 0.00015.
gnomAD v4.1: 55 of 1,607,636 alleles (0.0034%); highest among the groups gnomAD compares: Admixed American, 0.0069%; no homozygotes.

Submissions (2):

Ambry Genetics
Classification: Uncertain significance. Last evaluated: 2025-08-20. Review status: criteria provided, single submitter. Criteria: Ambry Variant Classification Scheme 2023. Collection method: clinical testing. Allele origin: germline.

Labcorp Genetics (formerly Invitae), Labcorp
Classification: Uncertain significance. Last evaluated: 2025-08-10. Review status: criteria provided, single submitter. Criteria: Invitae Variant Classification Sherloc (09022015). Collection method: clinical testing. Allele origin: germline.
Comment: This sequence change replaces proline, which is neutral and non-polar, with arginine, which is basic and polar, at codon 845 of the SULF1 protein (p.Pro845Arg). This variant is present in population databases (rs372242544, gnomAD 0.01%). This variant has not been reported in the literature in individuals affected with SULF1-related conditions. ClinVar contains an entry for this variant (Variation ID: 2174917). An algorithm developed to predict the effect of missense changes on protein structure and function (PolyPhen-2) suggests that this variant is likely to be tolerated. In summary, the available evidence is currently insufficient to determine the role of this variant in disease. Therefore, it has been classified as a Variant of Uncertain Significance.

NM_001128205.2(SULF1):c.2534C>G (p.Pro845Arg)

Gene: SULF1 (sulfatase 1; plus strand). Cytogenetic location: 8q13.3.
Variant type: single nucleotide variant.
Coding change: c.2534C>G on transcript NM_001128205.2 (MANE Select); coding-DNA position 2534, C replaced by G.
Protein change: p.Pro845Arg; replaces proline 845 with arginine.
Molecular consequence: missense variant. On other transcripts: non-coding transcript variant (3).
Genome position (GRCh38, 1-based): chr8:69,638,841, C>G. VCF-style: chr8-69638841-C-G. GRCh37 (hg19) VCF-style: chr8-70551076-C-G.
Other names: c.2534C>G (NM_001128205.1); c.2534C>G, p.Pro845Arg (NM_001128204.2, NM_001128206.2, NM_001412828.1 and 7 more transcripts); c.2405C>G, p.Pro802Arg (NM_001412832.1, NM_001412838.1, NM_001412839.1 and 1 more transcripts); c.2477C>G, p.Pro826Arg (NM_001412836.1, NM_001412837.1); c.2348C>G, p.Pro783Arg (NM_001412841.1, NM_001412842.1); c.*18C>G (NM_001412843.1, NM_001412850.1, NM_001412851.1); c.1934C>G, p.Pro645Arg (NM_001412844.1, NM_001412845.1); c.743C>G, p.Pro248Arg (NM_001412846.1); short protein forms P248R, P802R, P783R, P826R, P645R, P845R.
Identifiers: ClinVar variation 2174917 (VCV002174917.5), dbSNP rs372242544, ClinGen allele CA4776177.